The following is an entry in ClinVar:

ClinVar aggregate classification (germline): Pathogenic (1 of 4 stars; one submission).

Allele frequency attached by ClinVar (database versions not stated): ExAC 0.00002; ESP Exome Variant Server 0.00008.
gnomAD v4.1: 23 of 1,614,042 alleles (0.0014%); highest among the groups gnomAD compares: East Asian, 0.0022%; no homozygotes.

Submission:

Labcorp Genetics (formerly Invitae), Labcorp
Classification: Pathogenic. Last evaluated: 2026-01-05. Review status: criteria provided, single submitter. Criteria: Invitae Variant Classification Sherloc (09022015). Collection method: clinical testing. Allele origin: germline.
Comment: This sequence change creates a premature translational stop signal (p.Arg325*) in the ERCC3 gene. It is expected to result in an absent or disrupted protein product. Loss-of-function variants in ERCC3 are known to be pathogenic (PMID: 16947863). This variant is present in population databases (rs368191279, gnomAD 0.006%). This variant has not been reported in the literature in individuals affected with ERCC3-related conditions. ClinVar contains an entry for this variant (Variation ID: 1913053). For these reasons, this variant has been classified as Pathogenic.

Literature cited by the submitters: PubMed 16947863.

NM_000122.2(ERCC3):c.973C>T (p.Arg325Ter)

Gene: ERCC3 (ERCC excision repair 3, TFIIH core complex helicase subunit; minus strand). Cytogenetic location: 2q14.3.
Variant type: single nucleotide variant.
Coding change: c.973C>T on transcript NM_000122.2 (MANE Select); coding-DNA position 973, C replaced by T.
Protein change: p.Arg325Ter; replaces arginine 325 with a stop codon.
Molecular consequence: nonsense.
Genome position (GRCh38, 1-based): chr2:127,288,714, G>A on the plus strand (C>T on the coding strand, the complement: ERCC3 is on the minus strand). VCF-style: chr2-127288714-G-A. GRCh37 (hg19) VCF-style: chr2-128046290-G-A.
Other names: c.781C>T, p.Arg261Ter (NM_001303416.2, NM_001303418.2); short protein forms R261*, R325*.
Identifiers: ClinVar variation 1913053 (VCV001913053.4), dbSNP rs368191279, ClinGen allele CA1858396.